The following is an entry in ClinVar:

ClinVar aggregate classification (germline): Uncertain significance (1 of 4 stars; one submission).

Submission:

Ambry Genetics
Classification: Uncertain significance. Last evaluated: 2023-12-17. Review status: criteria provided, single submitter. Criteria: Ambry Variant Classification Scheme 2023. Collection method: clinical testing. Allele origin: germline.
Comment: The p.M580R variant (also known as c.1739T>G), located in coding exon 10 of the GALNT12 gene, results from a T to G substitution at nucleotide position 1739. The methionine at codon 580 is replaced by arginine, an amino acid with similar properties. This amino acid position is conserved. In addition, this alteration is predicted to be tolerated by in silico analysis. Since supporting evidence is limited at this time, the clinical significance of this alteration remains unclear.

NM_024642.5(GALNT12):c.1739T>G (p.Met580Arg)

Gene: GALNT12 (polypeptide N-acetylgalactosaminyltransferase 12; plus strand). Cytogenetic location: 9q22.33.
Variant type: single nucleotide variant.
Coding change: c.1739T>G on transcript NM_024642.5 (MANE Select); coding-DNA position 1739, T replaced by G.
Protein change: p.Met580Arg; replaces methionine 580 with arginine.
Molecular consequence: missense variant.
Genome position (GRCh38, 1-based): chr9:98,849,085, T>G. VCF-style: chr9-98849085-T-G. GRCh37 (hg19) VCF-style: chr9-101611367-T-G.
Other names: short protein forms M580R.
Identifiers: ClinVar variation 1779147 (VCV001779147.2), dbSNP rs1194642022, ClinGen allele CA374223408.